The following is an entry in ClinVar:

NM_182493.3(MYLK3):c.2359C>T (p.Gln787Ter)

Gene: MYLK3 (myosin light chain kinase 3; minus strand). Cytogenetic location: 16q11.2.
Variant type: single nucleotide variant.
Coding change: c.2359C>T on transcript NM_182493.3 (MANE Select); coding-DNA position 2359, C replaced by T.
Protein change: p.Gln787Ter; replaces glutamine 787 with a stop codon.
Molecular consequence: nonsense.
Genome position (GRCh38, 1-based): chr16:46,709,580, G>A on the plus strand (C>T on the coding strand, the complement: MYLK3 is on the minus strand). VCF-style: chr16-46709580-G-A. GRCh37 (hg19) VCF-style: chr16-46743492-G-A.
Other names: c.1336C>T, p.Gln446Ter (NM_001308301.1); short protein forms Q446*, Q787*.
Identifiers: ClinVar variation 1352042 (VCV001352042.6), dbSNP rs2143012377, ClinGen allele CA395785704.

ClinVar aggregate classification (germline): Uncertain significance (1 of 4 stars; one submission).

Submission:

Labcorp Genetics (formerly Invitae), Labcorp
Classification: Uncertain significance. Last evaluated: 2021-05-07. Review status: criteria provided, single submitter. Criteria: Invitae Variant Classification Sherloc (09022015). Collection method: clinical testing. Allele origin: germline.
Comment: In summary, the available evidence is currently insufficient to determine the role of this variant in disease. Therefore, it has been classified as a Variant of Uncertain Significance. Experimental studies and prediction algorithms are not available or were not evaluated, and the functional significance of this variant is currently unknown. This variant has not been reported in the literature in individuals with MYLK3-related conditions. This variant is not present in population databases (ExAC no frequency). This sequence change creates a premature translational stop signal (p.Gln787*) in the MYLK3 gene. While this is not anticipated to result in nonsense mediated decay, it is expected to disrupt the last 33 amino acid(s) of the MYLK3 protein.